The following is an entry in ClinVar:

ClinVar aggregate classification (germline): Uncertain significance (1 of 4 stars; one submission).

Allele frequency attached by ClinVar (database versions not stated): ExAC 0.00001; 1000 Genomes Project 30x 0.00016; 1000 Genomes Project 0.00020.
gnomAD v4.1: 3 of 1,613,638 alleles (0.00019%); highest among the groups gnomAD compares: South Asian, 0.0011%; no homozygotes.

Submission:

Seattle Children's Hospital Molecular Genetics Laboratory, Seattle Children's Hospital
Classification: Uncertain significance. Last evaluated: 2019-11-17. Review status: criteria provided, single submitter. Criteria: ACMG Guidelines, 2015. Collection method: clinical testing. Allele origin: germline. Affected: yes.
Comment: The p.Arg369His substitutes the arginine with histidine at position 369 of the protein. This position is conserved between species and in silico tools predict this substitution has a damaging impact on protein function (DANN, MutationTaster, SIFT). The p.Arg369His change has not been reported in the literature or patient databases as a cause of hyperinsulinism. The p.Arg369His variant has been observed as a heterozygous change in a single individual within large population cohorts (1 of 250,688 alleles; Genome Aggregation Database v2.1.1). There are rare reports of other missense changes at the same amino acid position (p.Arg369Leu, p.Arg369Ser, p.Arg369Cys) in these large population cohorts.

NM_000525.4(KCNJ11):c.1106G>A (p.Arg369His)

Gene: KCNJ11 (potassium inwardly rectifying channel subfamily J member 11; minus strand). Cytogenetic location: 11p15.1.
Variant type: single nucleotide variant.
Coding change: c.1106G>A on transcript NM_000525.4 (MANE Select); coding-DNA position 1106, G replaced by A.
Protein change: p.Arg369His; replaces arginine 369 with histidine.
Molecular consequence: missense variant.
Genome position (GRCh38, 1-based): chr11:17,386,986, C>T on the plus strand (G>A on the coding strand, the complement: KCNJ11 is on the minus strand). VCF-style: chr11-17386986-C-T. GRCh37 (hg19) VCF-style: chr11-17408533-C-T.
Other names: c.845G>A, p.Arg282His (NM_001166290.2, NM_001377296.1, NM_001377297.1); short protein forms R282H, R369H.
Identifiers: ClinVar variation 1691378 (VCV001691378.2), dbSNP rs114613745, ClinGen allele CA5902179.